The following is an entry in ClinVar:

ClinVar aggregate classification (germline): Uncertain significance. Review status: criteria provided, multiple submitters, no conflicts (2 of 4 stars). 2 submissions from 2 submitters: Uncertain significance (2). Last evaluated 2024-03-15.

Conditions:
Immunodeficiency 39 (IMD39). Identifiers: Orphanet 574918, MedGen C4225358, MONDO:0014597, OMIM 616345.

gnomAD v4.1: 1 of 1,612,032 alleles (0.000062%); no homozygotes.

Submissions (2):

Labcorp Genetics (formerly Invitae), Labcorp
Classification: Uncertain significance for Immunodeficiency 39. Last evaluated: 2024-03-15. Review status: criteria provided, single submitter. Criteria: Invitae Variant Classification Sherloc (09022015). Collection method: clinical testing. Allele origin: germline.
Comment: This sequence change replaces threonine, which is neutral and polar, with serine, which is neutral and polar, at codon 478 of the IRF7 protein (p.Thr478Ser). This variant is not present in population databases (gnomAD no frequency). This variant has not been reported in the literature in individuals affected with IRF7-related conditions. ClinVar contains an entry for this variant (Variation ID: 643503). Advanced modeling of protein sequence and biophysical properties (such as structural, functional, and spatial information, amino acid conservation, physicochemical variation, residue mobility, and thermodynamic stability) performed at Invitae indicates that this missense variant is not expected to disrupt IRF7 protein function with a negative predictive value of 80%. In summary, the available evidence is currently insufficient to determine the role of this variant in disease. Therefore, it has been classified as a Variant of Uncertain Significance.

Ambry Genetics
Classification: Uncertain significance. Last evaluated: 2023-02-28. Review status: criteria provided, single submitter. Criteria: Ambry Variant Classification Scheme 2023. Collection method: clinical testing. Allele origin: germline.

NM_001572.5(IRF7):c.1393A>T (p.Thr465Ser)

Gene: IRF7 (interferon regulatory factor 7; minus strand). Cytogenetic location: 11p15.5.
Variant type: single nucleotide variant.
Coding change: c.1393A>T on transcript NM_001572.5 (MANE Select); coding-DNA position 1393, A replaced by T.
Protein change: p.Thr465Ser; replaces threonine 465 with serine.
Molecular consequence: missense variant.
Genome position (GRCh38, 1-based): chr11:612,764, T>A on the plus strand (A>T on the coding strand, the complement: IRF7 is on the minus strand). VCF-style: chr11-612764-T-A. GRCh37 (hg19) VCF-style: chr11-612764-T-A.
Other names: c.1393A>T, p.Thr465Ser (LRG_1313t1); c.1306A>T, p.Thr436Ser (NM_004029.4); c.1432A>T, p.Thr478Ser (NM_004031.4); short protein forms T436S, T478S, T465S.
Identifiers: ClinVar variation 643503 (VCV000643503.5), dbSNP rs1589916130, ClinGen allele CA378976022.